The following is an entry in ClinVar:

NM_033380.3(COL4A5):c.439-2A>G

Gene: COL4A5 (collagen type IV alpha 5 chain; plus strand). Cytogenetic location: Xq22.3.
Variant type: single nucleotide variant.
Coding change: c.439-2A>G on transcript NM_033380.3 (MANE Select); the canonical splice acceptor site of the intron before coding-DNA position 439, A replaced by G.
Molecular consequence: splice acceptor variant.
Genome position (GRCh38, 1-based): chrX:108,571,809, A>G. VCF-style: chrX-108571809-A-G. GRCh37 (hg19) VCF-style: chrX-107815039-A-G.
Other names: c.439-2A>G (NM_000495.5).
Identifiers: ClinVar variation 4818590 (VCV004818590.1).

ClinVar aggregate classification (germline): Likely pathogenic (1 of 4 stars; one submission).

Conditions:
X-linked Alport syndrome (ATS1). Also called: NEPHROPATHY AND DEAFNESS, X-LINKED; COL4A5-Related Nephropathy. Identifiers: Orphanet 63, Orphanet 88917, MedGen C4746986, MONDO:0010520, OMIM 301050.

gnomAD v4.1: 1 of 1,175,911 alleles (0.000085%); highest among the groups gnomAD compares: Non-Finnish European, 0.00012%; no homozygotes.

Submission:

Natera, Inc.
Classification: Likely pathogenic for X-linked Alport syndrome. Last evaluated: 2025-07-25. Review status: criteria provided, single submitter. Criteria: Natera Variant Classification Schema (03/2026). Collection method: clinical testing. Allele origin: germline.
Comment: The c.439-2A>G variant in COL4A5 is a canonical splice acceptor site variant predicted to affect pre-mRNA splicing, which may result in an abnormal transcript and altered protein product. This variant is expected to result in nonsense mediated decay, truncation, or a dysfunctional protein product. This variant is rare in the general population with a frequency below the threshold expected for the associated phenotype(s). Given the available evidence, this variant is classified as Likely Pathogenic.